The following is an entry in ClinVar:

NM_000094.4(COL7A1):c.7115G>A (p.Gly2372Glu)

Gene: COL7A1 (collagen type VII alpha 1 chain; minus strand). Cytogenetic location: 3p21.31.
Variant type: single nucleotide variant.
Coding change: c.7115G>A on transcript NM_000094.4 (MANE Select); coding-DNA position 7115, G replaced by A.
Protein change: p.Gly2372Glu; replaces glycine 2372 with glutamic acid.
Molecular consequence: missense variant.
Genome position (GRCh38, 1-based): chr3:48,571,150, C>T on the plus strand (G>A on the coding strand, the complement: COL7A1 is on the minus strand). VCF-style: chr3-48571150-C-T. GRCh37 (hg19) VCF-style: chr3-48608583-C-T.
Other names: c.7115G>A (NM_000094.3); short protein forms G2372E.
Identifiers: ClinVar variation 1333619 (VCV001333619.7), dbSNP rs1233025207, ClinGen allele CA352651222.
Genomic context (GRCh38, chr3:48,571,150, plus strand): 5'-CATTGACTTACCTTCACACCTGGAGGGCCAGGAGGCCCAGGGGAGCCCGGGACCCCGACT[C>T]CTGGGTCACCCTTTGAGGAAAAGAGGCATCGGATCAAGCTCAGGGAGTCTCACGACCAGG-3'
Protein context (NP_000085.1, residues 2362-2382): PGPKGFKGDP[Gly2372Glu]VGVPGSPGPP

ClinVar aggregate classification (germline): Conflicting classifications of pathogenicity. Review status: criteria provided, conflicting classifications (1 of 4 stars). 3 submissions from 3 submitters: Likely pathogenic (1); Uncertain significance (2). Last evaluated 2026-01-16.

Conditions:
Recessive dystrophic epidermolysis bullosa (RDEB). Also called: DYSTROPHIC EPIDERMOLYSIS BULLOSA, AUTOSOMAL RECESSIVE; EPIDERMOLYSIS BULLOSA DYSTROPHICA, HALLOPEAU-SIEMENS TYPE; EPIDERMOLYSIS BULLOSA DYSTROPHICA, GENERALIZED SEVERE, AUTOSOMAL RECESSIVE; Hallopeau-Siemens Disease; Epidermolysis Bullosa Distrophica Autosomal Recessive (RDEB); epidermolysis bullosa dystrophica, autosomal recessive. Identifiers: Orphanet 79408, Orphanet 79409, MedGen C0079474, MONDO:0009179, OMIM 226600.

Allele frequency attached by ClinVar (database versions not stated): gnomAD 0.00001; TOPMed 0.00001.

Submissions (3):

Women's Health and Genetics/Laboratory Corporation of America, LabCorp
Classification: Uncertain significance. Last evaluated: 2026-01-16. Review status: criteria provided, single submitter. Criteria: LabCorp Variant Classification Summary - May 2015. Collection method: clinical testing. Allele origin: germline.
Comment: Variant summary: COL7A1 c.7115G>A (p.Gly2372Glu) results in a non-conservative amino acid change in the encoded protein sequence. This variant disrupts the triple helix domain of COL7A1. Glycine residues within the Gly-X-Y repeats of the triple helix domain are required for the structure and stability of fibrillar collagens (PMID: 7695699, 8218237, 19344236). Algorithms developed to predict the effect of missense changes on protein structure and function all suggest that this variant is likely to be disruptive. The variant was absent in 250956 control chromosomes. To our knowledge, no occurrence of c.7115G>A in individuals affected with COL7A1-related conditions and no experimental evidence demonstrating its impact on protein function have been reported. A different missense variant affecting the same codon has been classified as likely pathogenic/pathogenic by our lab (c.7115G>T, p.Gly2372Val), supporting the critical relevance of codon 2372 to COL7A1 protein function. ClinVar contains an entry for this variant (Variation ID: 1333619). Based on the evidence outlined above, the variant was classified as uncertain significance.

Labcorp Genetics (formerly Invitae), Labcorp
Classification: Likely pathogenic. Last evaluated: 2023-09-14. Review status: criteria provided, single submitter. Criteria: Invitae Variant Classification Sherloc (09022015). Collection method: clinical testing. Allele origin: germline.
Comment: In summary, the currently available evidence indicates that the variant is pathogenic, but additional data are needed to prove that conclusively. Therefore, this variant has been classified as Likely Pathogenic. This variant disrupts the p.Gly2372 amino acid residue in COL7A1. Other variant(s) that disrupt this residue have been determined to be pathogenic (PMID: 21448560). This suggests that this residue is clinically significant, and that variants that disrupt this residue are likely to be disease-causing. Advanced modeling of protein sequence and biophysical properties (such as structural, functional, and spatial information, amino acid conservation, physicochemical variation, residue mobility, and thermodynamic stability) performed at Invitae indicates that this missense variant is expected to disrupt COL7A1 protein function. ClinVar contains an entry for this variant (Variation ID: 1333619). This variant has not been reported in the literature in individuals affected with COL7A1-related conditions. This variant is not present in population databases (gnomAD no frequency). This sequence change replaces glycine, which is neutral and non-polar, with glutamic acid, which is acidic and polar, at codon 2372 of the COL7A1 protein (p.Gly2372Glu).

3billion
Classification: Uncertain significance for Recessive dystrophic epidermolysis bullosa. Last evaluated: 2022-01-03. Review status: criteria provided, single submitter. Criteria: ACMG Guidelines, 2015. Collection method: clinical testing. Allele origin: germline. Affected: yes. Observed: 1 heterozygote.
Comment: The variant is not observed in the gnomAD v2.1.1 dataset (PM2_M). In silico tool predictions suggest damaging effect of the variant on gene or gene product (REVEL: 0.9, 3CNET: 0.895, PP3_P). Therefore, this variant is classified as uncertain significance according to the recommendation of ACMG/AMP guideline.

Literature cited by the submitters: PubMed 21448560 (cited by Labcorp Genetics (formerly Invitae), Labcorp).